The following is an entry in ClinVar:

NM_032119.4(ADGRV1):c.18433-16T>C

Gene: ADGRV1 (adhesion G protein-coupled receptor V1; plus strand). Cytogenetic location: 5q14.3.
Variant type: single nucleotide variant.
Coding change: c.18433-16T>C on transcript NM_032119.4 (MANE Select); 16 bases into the intron before coding-DNA position 18433, T replaced by C.
Molecular consequence: intron variant.
Genome position (GRCh38, 1-based): chr5:91,150,014, T>C. VCF-style: chr5-91150014-T-C. GRCh37 (hg19) VCF-style: chr5-90445831-T-C.
Identifiers: ClinVar variation 137499 (VCV000137499.10), dbSNP rs72784680, ClinGen allele CA291106.

ClinVar aggregate classification (germline): Benign/Likely benign. Review status: criteria provided, multiple submitters, no conflicts (2 of 4 stars). 3 submissions from 3 submitters: Benign (1); Likely benign (2). Last evaluated 2026-02-04.

Allele frequency attached by ClinVar (database versions not stated): gnomAD exomes 0.01829 and 0.07389; 1000 Genomes Project 0.09046; ExAC 0.10568; gnomAD 0.15549 and 0.15839.
gnomAD v4.1: 23,612 of 867,330 alleles (2.7%); highest among the groups gnomAD compares: African/African-American, 21%; 790 homozygotes.

Submissions (3):

Labcorp Genetics (formerly Invitae), Labcorp
Classification: Likely benign. Last evaluated: 2026-02-04. Review status: criteria provided, single submitter. Criteria: Invitae Variant Classification Sherloc (09022015). Collection method: clinical testing. Allele origin: germline.

GeneDx
Classification: Benign. Last evaluated: 2013-08-19. Review status: criteria provided, single submitter. Criteria: GeneDx Variant Classification (06012015). Collection method: clinical testing. Allele origin: germline. Affected: yes.
Comment: This variant is considered likely benign or benign based on one or more of the following criteria: it is a conservative change, it occurs at a poorly conserved position in the protein, it is predicted to be benign by multiple in silico algorithms, and/or has population frequency not consistent with disease.

Breakthrough Genomics
Classification: Likely benign. Review status: criteria provided, single submitter. Criteria: ACMG Guidelines, 2015. Collection method: not provided. Allele origin: germline. Inheritance: Autosomal recessive inheritance. Affected: yes.